The following is an entry in ClinVar:

NM_001267550.2(TTN):c.88033A>G (p.Thr29345Ala)

Genes: TTN-AS1 (TTN antisense RNA 1; plus strand), TTN (titin; minus strand). Cytogenetic location: 2q31.2.
Variant type: single nucleotide variant.
Coding change: c.88033A>G on transcript NM_001267550.2 (MANE Select); coding-DNA position 88033, A replaced by G.
Protein change: p.Thr29345Ala; replaces threonine 29345 with alanine.
Molecular consequence: missense variant.
Genome position (GRCh38, 1-based): chr2:178,557,121, T>C on the plus strand (A>G on the coding strand, the complement: TTN is on the minus strand). VCF-style: chr2-178557121-T-C. GRCh37 (hg19) VCF-style: chr2-179421848-T-C.
Other names: c.83110A>G, p.Thr27704Ala (NM_001256850.1); c.60838A>G, p.Thr20280Ala (NM_003319.4); c.80329A>G, p.Thr26777Ala (NM_133378.4); c.61213A>G, p.Thr20405Ala (NM_133432.3); c.61414A>G, p.Thr20472Ala (NM_133437.4); c.88033A>G (NM_001267550.1); short protein forms T29345A, T20280A, T20472A, T27704A, T20405A, T26777A.
Identifiers: ClinVar variation 238859 (VCV000238859.9), dbSNP rs878854427, ClinGen allele CA10581836.

ClinVar aggregate classification (germline): Uncertain significance. Review status: criteria provided, multiple submitters, no conflicts (2 of 4 stars). 3 submissions from 3 submitters: Uncertain significance (3). Last evaluated 2025-06-11.

Conditions:
Autosomal recessive limb-girdle muscular dystrophy type 2J (LGMDR10). Also called: Limb-girdle muscular dystrophy, type 2J; MUSCULAR DYSTROPHY, LIMB-GIRDLE, AUTOSOMAL RECESSIVE 10. Identifiers: Orphanet 140922, MedGen C1837342, MONDO:0012127, OMIM 608807.
Dilated cardiomyopathy 1G (CMD1G). Identifiers: Orphanet 154, MedGen C1858763, MONDO:0011400, OMIM 604145.

Allele frequency attached by ClinVar (database versions not stated): gnomAD exomes 0.00001; TOPMed 0.00001.
gnomAD v4.1: 16 of 1,613,638 alleles (0.00099%); highest among the groups gnomAD compares: Non-Finnish European, 0.0014%; no homozygotes.

Submissions (3):

GeneDx
Classification: Uncertain significance. Last evaluated: 2025-06-11. Review status: criteria provided, single submitter. Criteria: GeneDx Variant Classification Process June 2021. Collection method: clinical testing. Allele origin: germline. Affected: yes.
Comment: Not observed at significant frequency in large population cohorts (gnomAD); Missense variant in a gene in which most reported pathogenic variants are truncating/loss of function; Identified in a patient with DCM in published literature (PMID: 29961767); This variant is associated with the following publications: (PMID: 29961767)

Mayo Clinic Laboratories, Mayo Clinic
Classification: Uncertain significance. Last evaluated: 2020-11-11. Review status: criteria provided, single submitter. Criteria: ACMG Guidelines, 2015. Collection method: clinical testing. Allele origin: germline. Observed: 1 variant allele.

Labcorp Genetics (formerly Invitae), Labcorp
Classification: Uncertain significance for Dilated cardiomyopathy 1G; Autosomal recessive limb-girdle muscular dystrophy type 2J. Last evaluated: 2016-02-08. Review status: criteria provided, single submitter. Criteria: Invitae Variant Classification Sherloc (09022015). Collection method: clinical testing. Allele origin: germline.